The following is an entry in ClinVar:

NM_032607.3(CREB3L3):c.270C>T (p.Ser90=)

Gene: CREB3L3 (cAMP responsive element binding protein 3 like 3; plus strand). Cytogenetic location: 19p13.3.
Variant type: single nucleotide variant.
Coding change: c.270C>T on transcript NM_032607.3 (MANE Select); coding-DNA position 270, C replaced by T.
Protein change: p.Ser90=; no amino-acid change (serine 90 retained).
Molecular consequence: synonymous variant.
Genome position (GRCh38, 1-based): chr19:4,157,108, C>T. VCF-style: chr19-4157108-C-T. GRCh37 (hg19) VCF-style: chr19-4157105-C-T.
Other names: c.267C>T, p.Ser89= (NM_001271995.2); c.270C>T, p.Ser90= (NM_001271996.2, NM_001271997.2); c.270C>T (NM_032607.2).
Identifiers: ClinVar variation 2711751 (VCV002711751.6), dbSNP rs143021454, ClinGen allele CA9091255.

ClinVar aggregate classification (germline): Benign/Likely benign. Review status: criteria provided, multiple submitters, no conflicts (2 of 4 stars). 3 submissions from 3 submitters: Benign (1); Likely benign (1). 1 of the submissions does not count toward it. Last evaluated 2025-03-30.

Conditions:
CREB3L3-related disorder. Also called: CREB3L3-related condition.

Allele frequency attached by ClinVar (database versions not stated): 1000 Genomes Project 30x 0.00109; 1000 Genomes Project 0.00120.

Submissions (3):

Labcorp Genetics (formerly Invitae), Labcorp
Classification: Benign. Last evaluated: 2025-03-30. Review status: criteria provided, single submitter. Criteria: Invitae Variant Classification Sherloc (09022015). Collection method: clinical testing. Allele origin: germline.

Blueprint Genetics
Classification: Likely benign. Last evaluated: 2024-05-03. Review status: criteria provided, single submitter. Criteria: ACMG Guidelines, 2015. Collection method: clinical testing. Allele origin: germline.

PreventionGenetics, part of Exact Sciences
Classification: Likely benign for CREB3L3-related condition. Last evaluated: 2021-12-22. Review status: no assertion criteria provided. Collection method: clinical testing. Allele origin: germline. Not counted in ClinVar's aggregate classification.
Comment: This variant is classified as likely benign based on ACMG/AMP sequence variant interpretation guidelines (Richards et al. 2015 PMID: 25741868, with internal and published modifications).